The following is an entry in ClinVar:

ClinVar aggregate classification (germline): Uncertain significance (1 of 4 stars; one submission).

Conditions:
Intellectual developmental disorder with autistic features and language delay, with or without seizures. Identifiers: MedGen C5394447, MONDO:0030051, OMIM 618906.

gnomAD v4.1: 34 of 1,613,732 alleles (0.0021%); highest among the groups gnomAD compares: Middle Eastern, 0.016%; no homozygotes.

Submission:

Pittsburgh Clinical Genomics Laboratory, University of Pittsburgh Medical Center
Classification: Uncertain significance for Intellectual developmental disorder with autistic features and language delay, with or without seizures. Last evaluated: 2024-06-18. Review status: criteria provided, single submitter. Criteria: ACMG Guidelines, 2015. Collection method: clinical testing. Allele origin: germline. Inheritance: Autosomal dominant inheritance. Affected: yes.
Comment: This sequence variant is a single nucleotide substitution (C>T) at position 4294 of the coding sequence of the TANC2 gene that results in an arginine to tryptophan amino acid change at residue 1432 of the tetratricopeptide repeat, ankyrin repeat and coiled-coil containing 2 protein. This variant is absent from ClinVar but is present in 6 of 400498 alleles (0.0015%) in the gnomAD population dataset. To our knowledge, this variant has not been observed in an individual affected by a TANC2-related disorder in the published literature. Multiple bioinformatic tools predict that this amino acid change would be damaging, and the Arg1432 residue at this position is highly conserved across the vertebrate species examined. Studies examining the functional consequence of this variant have not been published, to our knowledge. At this time, there is insufficient evidence to determine if this variant is pathogenic or benign. Therefore, we consider this a variant of uncertain significance. ACMG Criteria: PM2, PP3

NM_001394998.1(TANC2):c.4546C>T (p.Arg1516Trp)

Gene: TANC2 (tetratricopeptide repeat, ankyrin repeat and coiled-coil containing 2; plus strand). Cytogenetic location: 17q23.3.
Variant type: single nucleotide variant.
Coding change: c.4546C>T on transcript NM_001394998.1 (MANE Select); coding-DNA position 4546, C replaced by T.
Protein change: p.Arg1516Trp; replaces arginine 1516 with tryptophan.
Molecular consequence: missense variant.
Genome position (GRCh38, 1-based): chr17:63,420,276, C>T. VCF-style: chr17-63420276-C-T. GRCh37 (hg19) VCF-style: chr17-61497637-C-T.
Other names: c.4324C>T, p.Arg1442Trp (NM_001411076.1); c.4294C>T, p.Arg1432Trp (NM_025185.4); short protein forms R1432W, R1442W, R1516W.
Identifiers: ClinVar variation 3376407 (VCV003376407.1).
Genomic context (GRCh38, chr17:63,420,276, plus strand): 5'-GAGGAGGAGTACCTGGAACAGGATGTTGAAAATGTTTCCATTGGCCTCCAGACAGAGGCC[C>T]GGCCCAGCCAGGGGCTCCCGGTCATCCAGAGCCCACCCTCCTCTCCCCCGCATCGGGACT-3'
Protein context (NP_001381927.1, residues 1506-1526): NVSIGLQTEA[Arg1516Trp]PSQGLPVIQS